The following is an entry in ClinVar:

NC_000013.11:g.48303746C>A

Gene: RB1 (RB transcriptional corepressor 1; plus strand). Cytogenetic location: 13q14.2.
Variant type: single nucleotide variant.
Genome position: GRCh38 VCF-style: chr13-48303746-C-A. GRCh37 (hg19) VCF-style: chr13-48877882-C-A.
Identifiers: ClinVar variation 3667171 (VCV003667171.2).

ClinVar aggregate classification (germline): Uncertain significance (1 of 4 stars; one submission).

Conditions:
Retinoblastoma (RB1). Also called: RETINOBLASTOMA, SOMATIC. Identifiers: Orphanet 790, MedGen C0035335, MeSH D012175, MONDO:0008380, OMIM 180200, HP:0009919. Disease mechanism: loss of function. Inheritance: Both sporadic and heritable forms are tested..

Submission:

Labcorp Genetics (formerly Invitae), Labcorp
Classification: Uncertain significance for Retinoblastoma. Last evaluated: 2024-07-06. Review status: criteria provided, single submitter. Criteria: Invitae Variant Classification Sherloc (09022015). Collection method: clinical testing. Allele origin: germline.
Comment: This variant occurs in a non-coding region of the RB1 gene. It does not change the encoded amino acid sequence of the RB1 protein. This variant is not present in population databases (gnomAD no frequency). This variant has not been reported in the literature in individuals affected with RB1-related conditions. Experimental studies and prediction algorithms are not available or were not evaluated, and the functional significance of this variant is currently unknown. In summary, the available evidence is currently insufficient to determine the role of this variant in disease. Therefore, it has been classified as a Variant of Uncertain Significance.